The following is an entry in ClinVar:

NM_001001331.4(ATP2B2):c.2210C>T (p.Thr737Met)

Gene: ATP2B2 (ATPase plasma membrane Ca2+ transporting 2; minus strand). Cytogenetic location: 3p25.3.
Variant type: single nucleotide variant.
Coding change: c.2210C>T on transcript NM_001001331.4 (MANE Select); coding-DNA position 2210, C replaced by T.
Protein change: p.Thr737Met; replaces threonine 737 with methionine.
Molecular consequence: missense variant.
Genome position (GRCh38, 1-based): chr3:10,350,504, G>A on the plus strand (C>T on the coding strand, the complement: ATP2B2 is on the minus strand). VCF-style: chr3-10350504-G-A. GRCh37 (hg19) VCF-style: chr3-10392188-G-A.
Other names: c.2075C>T, p.Thr692Met (NM_001330611.3, NM_001353564.1, NM_001363862.1 and 2 more transcripts); c.2117C>T, p.Thr706Met (NM_001438646.1); short protein forms T692M, T706M, T737M.
Identifiers: ClinVar variation 4687640 (VCV004687640.2).
Genomic context (GRCh38, chr3:10,350,504, plus strand): 5'-AGGCACAGAAAGTCCTCCCCAGGATGGATGATGCCACACTTGATGGCGATGGCCCGAGCC[G>A]TGTTGATATTGTCGCCAGTGACCATGCGGACCGTGATGCCTGCCCGCTGGCACTTGCGGA-3'
Protein context (NP_001001331.1, residues 727-747): VRMVTGDNIN[Thr737Met]ARAIAIKCGI

ClinVar aggregate classification (germline): Uncertain significance. Review status: criteria provided, multiple submitters, no conflicts (2 of 4 stars). 2 submissions from 2 submitters: Uncertain significance (2). Last evaluated 2025-10-29.

Submissions (2):

Women's Health and Genetics/Laboratory Corporation of America, LabCorp
Classification: Uncertain significance. Last evaluated: 2025-10-29. Review status: criteria provided, single submitter. Criteria: LabCorp Variant Classification Summary - May 2015. Collection method: clinical testing. Allele origin: germline.
Comment: Variant summary: ATP2B2 c.2210C>T (p.Thr737Met) results in a non-conservative amino acid change in the encoded protein sequence. Algorithms developed to predict the effect of missense changes on protein structure and function all suggest that this variant is likely to be disruptive. The variant allele was found at a frequency of 4e-06 in 251446 control chromosomes. The available data on variant occurrences in the general population are insufficient to allow any conclusion about variant significance. To our knowledge, no occurrence of c.2210C>T in individuals affected with ATP2B2-related conditions and no experimental evidence demonstrating its impact on protein function have been reported. No submitters have cited clinical-significance assessments for this variant to ClinVar. Based on the evidence outlined above, the variant was classified as uncertain significance.

Blueprint Genetics
Classification: Uncertain significance. Last evaluated: 2024-11-10. Review status: criteria provided, single submitter. Criteria: ACMG Guidelines, 2015. Collection method: clinical testing. Allele origin: germline.